The following is an entry in ClinVar:

NM_148919.4(PSMB8):c.129T>C (p.Ala43=)

Gene: PSMB8 (proteasome 20S subunit beta 8; minus strand). Cytogenetic location: 6p21.32.
Variant type: single nucleotide variant.
Coding change: c.129T>C on transcript NM_148919.4 (MANE Select); coding-DNA position 129, T replaced by C.
Protein change: p.Ala43=; no amino-acid change (alanine 43 retained).
Molecular consequence: synonymous variant. On other transcripts: intron variant (1).
Genome position (GRCh38, 1-based): chr6:32,843,868, A>G on the plus strand (T>C on the coding strand, the complement: PSMB8 is on the minus strand). VCF-style: chr6-32843868-A-G. GRCh37 (hg19) VCF-style: chr6-32811645-A-G.
Other names: p.Ala43=; c.135+411T>C (LRG_1328t2, NM_004159.5); c.129T>C, p.Ala43= (LRG_1328t1).
Identifiers: ClinVar variation 356369 (VCV000356369.18), dbSNP rs2071542, ClinGen allele CA3746497.

ClinVar aggregate classification (germline): Benign/Likely benign. Review status: criteria provided, multiple submitters, no conflicts (2 of 4 stars). 6 submissions from 6 submitters: Benign (5); Likely benign (1). Last evaluated 2026-02-04.

Conditions:
Proteasome-associated autoinflammatory syndrome 1 (PRAAS1). Also called: JOINT CONTRACTURES, MUSCULAR ATROPHY, MICROCYTIC ANEMIA, AND PANNICULITIS-INDUCED LIPODYSTROPHY; JMP SYNDROME; AUTOINFLAMMATION, LIPODYSTROPHY, AND DERMATOSIS SYNDROME; NAKAJO-NISHIMURA SYNDROME; CHRONIC ATYPICAL NEUTROPHILIC DERMATOSIS WITH LIPODYSTROPHY AND ELEVATED TEMPERATURE SYNDROME; Nakajo syndrome. Identifiers: Orphanet 2615, Orphanet 324977, Orphanet 324999, Orphanet 325004, MedGen C4746851, MONDO:0054698, OMIM 256040.
Proteosome-associated autoinflammatory syndrome. Also called: Proteasome-associated autoinflammatory syndrome. Identifiers: Orphanet 324977, MedGen C1850568, MONDO:0009726.

Allele frequency attached by ClinVar (database versions not stated): ESP Exome Variant Server 0.03664; gnomAD 0.04233 and 0.04333; gnomAD exomes 0.04387 and 0.05449; TOPMed 0.04483; ExAC 0.05379; 1000 Genomes Project 0.05451; 1000 Genomes Project 30x 0.05481.
gnomAD v4.1: 70,501 of 1,612,690 alleles (4.4%); highest among the groups gnomAD compares: Admixed American, 8.7%; 1,888 homozygotes.

Submissions (6):

Labcorp Genetics (formerly Invitae), Labcorp
Classification: Benign for Proteosome-associated autoinflammatory syndrome. Last evaluated: 2026-02-04. Review status: criteria provided, single submitter. Criteria: Invitae Variant Classification Sherloc (09022015). Collection method: clinical testing. Allele origin: germline.

Women's Health and Genetics/Laboratory Corporation of America, LabCorp
Classification: Benign. Last evaluated: 2026-01-21. Review status: criteria provided, single submitter. Criteria: LabCorp Variant Classification Summary - May 2015. Collection method: clinical testing. Allele origin: germline.

Blueprint Genetics
Classification: Likely benign. Last evaluated: 2024-11-26. Review status: criteria provided, single submitter. Criteria: ACMG Guidelines, 2015. Collection method: clinical testing. Allele origin: germline.

GeneDx
Classification: Benign. Last evaluated: 2021-05-04. Review status: criteria provided, single submitter. Criteria: GeneDx Variant Classification Process June 2021. Collection method: clinical testing. Allele origin: germline. Affected: yes.

Mayo Clinic Laboratories, Mayo Clinic
Classification: Benign. Last evaluated: 2018-04-30. Review status: criteria provided, single submitter. Criteria: ACMG Guidelines, 2015. Collection method: clinical testing. Allele origin: germline. Observed: 66 variant alleles.

Illumina Laboratory Services, Illumina
Classification: Benign for Proteasome-associated autoinflammatory syndrome 1. Last evaluated: 2018-01-13. Review status: criteria provided, single submitter. Criteria: ICSL Variant Classification Criteria 13 December 2019. Collection method: clinical testing. Allele origin: germline.
Comment: This variant was observed in the ICSL laboratory as part of a predisposition screen in an ostensibly healthy population. It had not been previously curated by ICSL or reported in the Human Gene Mutation Database (HGMD: prior to June 1st, 2018), and was therefore a candidate for classification through an automated scoring system. Utilizing variant allele frequency, disease prevalence and penetrance estimates, and inheritance mode, an automated score was calculated to assess if this variant is too frequent to cause the disease. Based on the score and internal cut-off values, a variant classified as benign is not then subjected to further curation. The score for this variant resulted in a classification of benign for this disease.